The following is an entry in ClinVar:

ClinVar aggregate classification (germline): Pathogenic (1 of 4 stars; one submission).

Submission:

CeGaT Center for Human Genetics Tuebingen
Classification: Pathogenic. Last evaluated: 2025-05-01. Review status: criteria provided, single submitter. Criteria: CeGaT Center For Human Genetics Tuebingen Variant Classification Criteria Version 2. Collection method: clinical testing. Allele origin: germline. Affected: yes. Observed: 1 variant allele.
Comment: TRAPPC6B: PVS1, PM2

NM_001079537.2(TRAPPC6B):c.120dup (p.Phe41fs)

Gene: TRAPPC6B (trafficking protein particle complex subunit 6B; minus strand). Cytogenetic location: 14q21.1.
Variant type: Duplication.
Coding change: c.120dup on transcript NM_001079537.2 (MANE Select); coding-DNA position 120, one base duplicated (G; older notation c.120dupG).
Protein change: p.Phe41fs; shifts the reading frame from phenylalanine 41.
Molecular consequence: frameshift variant.
Genome position (GRCh38, 1-based): chr14:39,159,512, C duplicated on the plus strand (G on the coding strand, the reverse complement: TRAPPC6B is on the minus strand); the first of 4 consecutive C bases (chr14:39,159,512-39,159,515); duplicating any one gives the same sequence. VCF-style (leftmost placement, unchanged base first): chr14-39159511-A-AC. GRCh37 (hg19) VCF-style: chr14-39628715-A-AC.
Other names: c.120dup, p.Phe41fs (NM_177452.4); short protein forms F41fs.
Identifiers: ClinVar variation 3905739 (VCV003905739.10).